The following is an entry in ClinVar:

ClinVar aggregate classification (germline): Likely benign. Review status: criteria provided, single submitter (1 of 4 stars). 2 submissions from 2 submitters: Likely benign (1). 1 of the submissions does not count toward it. Last evaluated 2025-07-31.

Conditions:
HACE1-related disorder. Also called: HACE1-related condition.

Allele frequency attached by ClinVar (database versions not stated): gnomAD exomes 0.00001 and 0.00002; ExAC 0.00005; gnomAD 0.00010 and 0.00011; TOPMed 0.00010; ESP Exome Variant Server 0.00023.
gnomAD v4.1: 32 of 1,608,360 alleles (0.002%); highest among the groups gnomAD compares: African/African-American, 0.04%; no homozygotes.

Submissions (2):

Labcorp Genetics (formerly Invitae), Labcorp
Classification: Likely benign. Last evaluated: 2025-07-31. Review status: criteria provided, single submitter. Criteria: Invitae Variant Classification Sherloc (09022015). Collection method: clinical testing. Allele origin: germline.

PreventionGenetics, part of Exact Sciences
Classification: Likely benign for HACE1-related condition. Last evaluated: 2024-03-12. Review status: no assertion criteria provided. Collection method: clinical testing. Allele origin: germline. Not counted in ClinVar's aggregate classification.
Comment: This variant is classified as likely benign based on ACMG/AMP sequence variant interpretation guidelines (Richards et al. 2015 PMID: 25741868, with internal and published modifications).

NM_020771.4(HACE1):c.1912T>C (p.Leu638=)

Gene: HACE1 (HECT domain and ankyrin repeat containing E3 ubiquitin protein ligase 1; minus strand). Cytogenetic location: 6q16.3.
Variant type: single nucleotide variant.
Coding change: c.1912T>C on transcript NM_020771.4 (MANE Select); coding-DNA position 1912, T replaced by C.
Protein change: p.Leu638=; no amino-acid change (leucine 638 retained).
Molecular consequence: synonymous variant. On other transcripts: non-coding transcript variant (7).
Genome position (GRCh38, 1-based): chr6:104,772,027, A>G on the plus strand (T>C on the coding strand, the complement: HACE1 is on the minus strand). VCF-style: chr6-104772027-A-G. GRCh37 (hg19) VCF-style: chr6-105219902-A-G.
Other names: c.1780T>C, p.Leu594= (NM_001321080.2); c.1810T>C, p.Leu604= (NM_001321083.2); c.1408T>C, p.Leu470= (NM_001321084.2, NM_001350557.2, NM_001350558.2); c.1678T>C, p.Leu560= (NM_001350554.2); c.1621T>C, p.Leu541= (NM_001350555.2); c.1426T>C, p.Leu476= (NM_001350556.2); c.1330T>C, p.Leu444= (NM_001350559.2); c.1129T>C, p.Leu377= (NM_001350560.2).
Identifiers: ClinVar variation 722372 (VCV000722372.7), dbSNP rs140136491, ClinGen allele CA3940135.
Genomic context (GRCh38, chr6:104,772,027, plus strand): 5'-CCAGCTGCCTGTGGTTCAACGCTAATCCCAAGATCTGCCCAGCAAACCGAAAATAGTTCA[A>G]GTGATCAGGATTTACATAAGAGTTGCTATTAGGCTGAAAAGTTGTTCCTATTGAAATAAA-3'
Protein context (NP_065822.2, residues 628-648): NSNSYVNPDH[Leu638=]NYFRFAGQIL